The following is an entry in ClinVar:

ClinVar aggregate classification (germline): Uncertain significance. Review status: criteria provided, multiple submitters, no conflicts (2 of 4 stars). 2 submissions from 2 submitters: Uncertain significance (2). Last evaluated 2025-11-27.

Conditions:
Acute myeloid leukemia (AML). Also called: Acute myeloid leukemia, adult; AML adult; Acute non-lymphocytic leukemia; Acute granulocytic leukemia; Leukemia, acute myeloid, somatic; Leukemia, acute myelogenous, somatic. Identifiers: Orphanet 519, MedGen C0023467, MeSH D015470, MONDO:0018874, OMIM 601626, HP:0004808. Disease mechanism: Constitutively activated FLT3.
Inborn genetic diseases. Identifiers: MedGen C0950123, MeSH D030342.

Submissions (2):

Ambry Genetics
Classification: Uncertain significance for Inborn genetic diseases. Last evaluated: 2025-11-27. Review status: criteria provided, single submitter. Criteria: Ambry Variant Classification Scheme 2023. Collection method: clinical testing. Allele origin: germline.
Comment: The p.A124V variant (also known as c.371C>T), located in coding exon 1 of the CEBPA gene, results from a C to T substitution at nucleotide position 371. The alanine at codon 124 is replaced by valine, an amino acid with similar properties. This amino acid position is conserved. In addition, this alteration is predicted to be tolerated by in silico analysis. Based on the available evidence, the clinical significance of this variant remains unclear.

Labcorp Genetics (formerly Invitae), Labcorp
Classification: Uncertain significance for Acute myeloid leukemia. Last evaluated: 2023-09-13. Review status: criteria provided, single submitter. Criteria: Invitae Variant Classification Sherloc (09022015). Collection method: clinical testing. Allele origin: germline.
Comment: In summary, the available evidence is currently insufficient to determine the role of this variant in disease. Therefore, it has been classified as a Variant of Uncertain Significance. Advanced modeling of protein sequence and biophysical properties (such as structural, functional, and spatial information, amino acid conservation, physicochemical variation, residue mobility, and thermodynamic stability) performed at Invitae indicates that this missense variant is not expected to disrupt CEBPA protein function. This variant has not been reported in the literature in individuals affected with CEBPA-related conditions. The frequency data for this variant in the population databases is considered unreliable, as metrics indicate insufficient coverage at this position in the gnomAD database. This sequence change replaces alanine, which is neutral and non-polar, with valine, which is neutral and non-polar, at codon 124 of the CEBPA protein (p.Ala124Val).

NM_004364.5(CEBPA):c.371C>T (p.Ala124Val)

Gene: CEBPA (CCAAT enhancer binding protein alpha; minus strand). Cytogenetic location: 19q13.11.
Variant type: single nucleotide variant.
Coding change: c.371C>T on transcript NM_004364.5 (MANE Select); coding-DNA position 371, C replaced by T.
Protein change: p.Ala124Val; replaces alanine 124 with valine.
Molecular consequence: missense variant.
Genome position (GRCh38, 1-based): chr19:33,302,044, G>A on the plus strand (C>T on the coding strand, the complement: CEBPA is on the minus strand). VCF-style: chr19-33302044-G-A. GRCh37 (hg19) VCF-style: chr19-33792950-G-A.
Other names: c.14C>T, p.Ala5Val (NM_001285829.2); c.476C>T, p.Ala159Val (NM_001287424.2); c.329C>T, p.Ala110Val (NM_001287435.2); short protein forms A5V, A110V, A159V, A124V.
Identifiers: ClinVar variation 3002601 (VCV003002601.4), dbSNP rs2145262604, ClinGen allele CA405275090.